The following is an entry in ClinVar:

NM_001103.4(ACTN2):c.2470G>C (p.Asp824His)

Gene: ACTN2 (actinin alpha 2; plus strand). Cytogenetic location: 1q43.
Variant type: single nucleotide variant.
Coding change: c.2470G>C on transcript NM_001103.4 (MANE Select); coding-DNA position 2470, G replaced by C.
Protein change: p.Asp824His; replaces aspartic acid 824 with histidine.
Molecular consequence: missense variant. On other transcripts: non-coding transcript variant (1).
Genome position (GRCh38, 1-based): chr1:236,761,117, G>C. VCF-style: chr1-236761117-G-C. GRCh37 (hg19) VCF-style: chr1-236924417-G-C.
Other names: c.2470G>C, p.Asp824His (NM_001278343.2); c.1846G>C, p.Asp616His (NM_001278344.2); c.1720G>C, p.Asp574His (NM_001412150.1); short protein forms D824H, D574H, D616H.
Identifiers: ClinVar variation 2447692 (VCV002447692.2), dbSNP rs2527665371, ClinGen allele CA345391390.

ClinVar aggregate classification (germline): Uncertain significance (1 of 4 stars; one submission).

Conditions:
Cardiovascular phenotype. Identifiers: MedGen CN230736.

Submission:

Ambry Genetics
Classification: Uncertain significance for Cardiovascular phenotype. Last evaluated: 2023-02-11. Review status: criteria provided, single submitter. Criteria: Ambry Variant Classification Scheme 2023. Collection method: clinical testing. Allele origin: germline.
Comment: The p.D824H variant (also known as c.2470G>C), located in coding exon 20 of the ACTN2 gene, results from a G to C substitution at nucleotide position 2470. The aspartic acid at codon 824 is replaced by histidine, an amino acid with similar properties. This amino acid position is highly conserved in available vertebrate species. In addition, the in silico prediction for this alteration is inconclusive. Since supporting evidence is limited at this time, the clinical significance of this alteration remains unclear.